The following is an entry in ClinVar:

ClinVar aggregate classification (germline): Uncertain significance. Review status: criteria provided, multiple submitters, no conflicts (2 of 4 stars). 2 submissions from 2 submitters: Uncertain significance (2). Last evaluated 2025-12-15.

Conditions:
Mucopolysaccharidosis, MPS-III-A (MPS3A). Also called: Mucopolysaccharidosis, type IIIA; mucopolysaccharidosis type 3A; MPS IIIA (Sanfilippo Syndrome Type A); HEPARAN SULFATE SULFATASE DEFICIENCY; SANFILIPPO SYNDROME A; SULFAMIDASE DEFICIENCY. Identifiers: Orphanet 581, Orphanet 79269, MedGen C0086647, MONDO:0009655, OMIM 252900.
Inborn genetic diseases. Identifiers: MedGen C0950123, MeSH D030342.

Submissions (2):

Ambry Genetics
Classification: Uncertain significance for Inborn genetic diseases. Last evaluated: 2025-12-15. Review status: criteria provided, single submitter. Criteria: Ambry Variant Classification Scheme 2023. Collection method: clinical testing. Allele origin: germline.

Labcorp Genetics (formerly Invitae), Labcorp
Classification: Uncertain significance for Mucopolysaccharidosis, MPS-III-A. Last evaluated: 2025-10-06. Review status: criteria provided, single submitter. Criteria: Invitae Variant Classification Sherloc (09022015). Collection method: clinical testing. Allele origin: germline.
Comment: This sequence change replaces arginine, which is basic and polar, with tryptophan, which is neutral and slightly polar, at codon 346 of the SGSH protein (p.Arg346Trp). This variant is present in population databases (rs139918604, gnomAD 0.007%). This variant has not been reported in the literature in individuals affected with SGSH-related conditions. Invitae Evidence Modeling of protein sequence and biophysical properties (such as structural, functional, and spatial information, amino acid conservation, physicochemical variation, residue mobility, and thermodynamic stability) indicates that this missense variant is expected to disrupt SGSH protein function with a positive predictive value of 95%. In summary, the available evidence is currently insufficient to determine the role of this variant in disease. Therefore, it has been classified as a Variant of Uncertain Significance.

NM_000199.5(SGSH):c.1036C>T (p.Arg346Trp)

Gene: SGSH (N-sulfoglucosamine sulfohydrolase; minus strand). Cytogenetic location: 17q25.3.
Variant type: single nucleotide variant.
Coding change: c.1036C>T on transcript NM_000199.5 (MANE Select); coding-DNA position 1036, C replaced by T.
Protein change: p.Arg346Trp; replaces arginine 346 with tryptophan.
Molecular consequence: missense variant. On other transcripts: 3 prime UTR variant (2), non-coding transcript variant (1).
Genome position (GRCh38, 1-based): chr17:80,210,925, G>A on the plus strand (C>T on the coding strand, the complement: SGSH is on the minus strand). VCF-style: chr17-80210925-G-A. GRCh37 (hg19) VCF-style: chr17-78184724-G-A.
Other names: c.*123C>T (NM_001352921.3); c.*86C>T (NM_001352922.2); c.1036C>T (NM_000199.3); short protein forms R346W.
Identifiers: ClinVar variation 4804248 (VCV004804248.2).